The following is an entry in ClinVar:

NM_003070.5(SMARCA2):c.3244A>C (p.Met1082Leu)

Gene: SMARCA2 (SWI/SNF related BAF chromatin remodeling complex subunit ATPase 2; plus strand). Cytogenetic location: 9p24.3.
Variant type: single nucleotide variant.
Coding change: c.3244A>C on transcript NM_003070.5 (MANE Select); coding-DNA position 3244, A replaced by C.
Protein change: p.Met1082Leu; replaces methionine 1082 with leucine.
Molecular consequence: missense variant.
Genome position (GRCh38, 1-based): chr9:2,104,121, A>C. VCF-style: chr9-2104121-A-C. GRCh37 (hg19) VCF-style: chr9-2104121-A-C.
Other names: c.3244A>C, p.Met1082Leu (NM_001289396.2, NM_139045.4); c.3070A>C, p.Met1024Leu (NM_001289397.2); short protein forms M1024L, M1082L.
Identifiers: ClinVar variation 3253079 (VCV003253079.1), dbSNP rs2537379733.

ClinVar aggregate classification (germline): Uncertain significance (1 of 4 stars; one submission).

Submission:

GeneDx
Classification: Uncertain significance. Last evaluated: 2023-12-13. Review status: criteria provided, single submitter. Criteria: GeneDx Variant Classification Process June 2021. Collection method: clinical testing. Allele origin: germline. Affected: yes.
Comment: Not observed at significant frequency in large population cohorts (gnomAD); In silico analysis supports that this missense variant does not alter protein structure/function; Has not been previously published as pathogenic or benign to our knowledge